The following is an entry in ClinVar:

ClinVar aggregate classification (germline): Pathogenic/Likely pathogenic. Review status: criteria provided, multiple submitters, no conflicts (2 of 4 stars). 12 submissions from 11 submitters: Pathogenic (4); Likely pathogenic (4). 4 of the submissions do not count toward it. Last evaluated 2026-01-05.

Conditions:
Autosomal dominant ABCC8-related disorders.
Hereditary hyperinsulinism.
Leucine-induced hypoglycemia (LIH). Also called: LEUCINE-SENSITIVE HYPOGLYCEMIA OF INFANCY. Identifiers: MedGen C0271714, MONDO:0009415, OMIM 240800.
Diabetes mellitus, transient neonatal, 2 (TNDM2). Identifiers: Orphanet 99886, MedGen C1835887, MONDO:0012480, OMIM 610374. Disease mechanism: loss of function.
Hyperinsulinemic hypoglycemia, familial, 1 (HHF1). Also called: HYPERINSULINISM, FAMILIAL, WITH PANCREATIC NESIDIOBLASTOSIS; HYPOGLYCEMIA, HYPERINSULINEMIC, OF INFANCY; Persistent hyperinsulinemic hypoglycemia of infancy; Persistent Hyperinsulinemia Hypoglycemia of Infancy; NESIDIOBLASTOSIS OF PANCREAS. Identifiers: Orphanet 276575, Orphanet 276598, MedGen C2931832, MONDO:0009734, OMIM 256450.
Type 2 diabetes mellitus. Also called: Type II diabetes mellitus. Identifiers: MedGen C0011860, MeSH D003924, MONDO:0005148, OMIM 125853, HP:0005978.
Diabetes mellitus, permanent neonatal 3. Also called: ABCC8-Related Permanent Neonatal Diabetes Mellitus. Identifiers: MedGen C5394303, MONDO:0030088, OMIM 618857.
Maturity-onset diabetes of the young (MODY). Also called: Maturity onset diabetes mellitus in young. Identifiers: Orphanet 552, MedGen C0342276, MONDO:0018911, HP:0004904.
Familial hyperinsulinism. Also called: Congenital hyperinsulinism. Identifiers: Orphanet 276525, MedGen C3888018, MONDO:0017182. Disease mechanism: loss of function.

Allele frequency attached by ClinVar (database versions not stated): gnomAD exomes 0.00001.
gnomAD v4.1: 3 of 1,614,182 alleles (0.00019%); highest among the groups gnomAD compares: Admixed American, 0.0033%; no homozygotes.

Submissions (12):

Dasa
Classification: Likely pathogenic. Last evaluated: 2026-01-05. Review status: criteria provided, single submitter. Criteria: DASA Assertion Criteria. Collection method: clinical testing. Allele origin: germline.
Comment: NM_000352.6(ABCC8):c.683G>A (p.Gly228Asp) is a missense variant that results in the substitution of glycine with aspartic acid. This variant has been reported in individuals with ABCC8-related disorders (PMID: 17466004). Functional evidence supports an impact on the gene or gene product (PMID: 17466004). Also, this variant is rare in population databases. Based on the currently available evidence, this variant is classified as likely pathogenic.

Natera, Inc.
Classification: Likely pathogenic for Hereditary hyperinsulinism. Last evaluated: 2025-12-30. Review status: criteria provided, single submitter. Criteria: Natera Variant Classification Schema (03/2026). Collection method: clinical testing. Allele origin: germline.
Comment: The c.683G>A variant in ABCC8 is a missense variant predicted to cause substitution of glycine to aspartic acid at amino acid 228. This variant is rare in the general population with a frequency below the threshold expected for the associated phenotype(s). This variant has been observed in one or more individuals affected with the associated recessive disease, as either homozygous or compound heterozygous with a second variant (PMID: 23275527, 17384337, 21968111). This variant has been observed in affected individual(s) with monoallelic occurrence (heterozygous/hemizygous) (PMID: 21968111, 16186397, 17378627, 36239000, 14764815, 40302972). This variant has been found together with another disease-causing variant in the same copy of the gene (PMID: 17466004). Functional studies show that this variant may disrupt protein function (PMID: 17466004). Computational prediction algorithms indicate this variant is likely to affect gene or protein function. Given the available evidence, this variant is classified as Likely Pathogenic.

Variantyx, Inc.
Classification: Likely pathogenic for Autosomal dominant ABCC8-related disorders. Last evaluated: 2025-03-05. Review status: criteria provided, single submitter. Criteria: Variantyx Assertion Criteria 2022. Collection method: clinical testing. Allele origin: germline. Inheritance: Autosomal dominant inheritance. Affected: no.
Comment: This is a nonsynonymous variant in the ABCC8 gene (OMIM: 600509). Pathogenic variants in this gene have been associated with autosomal dominant ABCC8-related disorders. This variant has been reported in at least three unrelated affected individual (PMID: 17378627, 17466004, 36239000) (PS4_Moderate). Functional studies have shown that this variant alters ABCC8 protein function (PMID: 17466004) (PS3). This variant has a 0.0046% maximum allele frequency in non-founder control populations (PM2). Computational algorithms produce conflicting evidence regarding the predicted functional impact of this variant (REVEL score: 0.614). Based on the current evidence, this variant is classified as likely pathogenic for autosomal dominant ABCC8-related disorders.

Fulgent Genetics
Classification: Likely pathogenic for Type 2 diabetes mellitus; Leucine-induced hypoglycemia; Hyperinsulinemic hypoglycemia, familial, 1; Diabetes mellitus, transient neonatal, 2; Diabetes mellitus, permanent neonatal 3. Last evaluated: 2024-05-12. Review status: criteria provided, single submitter. Criteria: ACMG Guidelines, 2015. Collection method: clinical testing. Allele origin: germline.

Baylor Genetics
Classification: Pathogenic for Type 2 diabetes mellitus. Last evaluated: 2023-12-22. Review status: criteria provided, single submitter. Criteria: ACMG Guidelines, 2015. Collection method: clinical testing. Allele origin: unknown.

Labcorp Genetics (formerly Invitae), Labcorp
Classification: Pathogenic. Last evaluated: 2023-08-04. Review status: criteria provided, single submitter. Criteria: Invitae Variant Classification Sherloc (09022015). Collection method: clinical testing. Allele origin: germline.
Comment: Advanced modeling of protein sequence and biophysical properties (such as structural, functional, and spatial information, amino acid conservation, physicochemical variation, residue mobility, and thermodynamic stability) performed at Invitae indicates that this missense variant is not expected to disrupt ABCC8 protein function. ClinVar contains an entry for this variant (Variation ID: 217846). This missense change has been observed in individuals with congenital hyperinsulinism (PMID: 16186397, 17384337, 21968111, 23275527). It has also been observed to segregate with disease in related individuals. This variant is not present in population databases (gnomAD no frequency). This sequence change replaces glycine, which is neutral and non-polar, with aspartic acid, which is acidic and polar, at codon 228 of the ABCC8 protein (p.Gly228Asp). Experimental studies have shown that this missense change affects ABCC8 function (PMID: 17466004). For these reasons, this variant has been classified as Pathogenic.

Mendelics
Classification: Pathogenic for Hyperinsulinemic hypoglycemia, familial, 1. Last evaluated: 2019-05-28. Review status: criteria provided, single submitter. Criteria: Mendelics Assertion Criteria 2017. Collection method: clinical testing. Allele origin: unknown.

Women's Health and Genetics/Laboratory Corporation of America, LabCorp
Classification: Pathogenic for Familial hyperinsulinism. Last evaluated: 2017-04-28. Review status: criteria provided, single submitter. Criteria: LabCorp Variant Classification Summary - May 2015. Collection method: clinical testing. Allele origin: germline.
Comment: Variant summary: The ABCC8 c.683G>A (p.Gly228Asp) variant involves the alteration of a conserved nucleotide. 3/4 in silico tools predict a damaging outcome for this variant (SNPsandGO not captured due to low reliability index). This variant is absent in 122206 control chromosomes. The variant has been reported in numerous affected individuals in the literature, and has been shown functionally to lead to intracellular retention of the channel complex and loss of function. In addition, one clinical diagnostic laboratory/reputable database classified this variant as pathogenic. Taken together, this variant is classified as pathogenic.

Counsyl
Classification: Likely pathogenic for Hyperinsulinemic hypoglycemia, familial, 1. Last evaluated: 2018-02-14. Review status: no assertion criteria provided. Collection method: clinical testing. Allele origin: unknown. Not counted in ClinVar's aggregate classification.

Genomic Diagnostic Laboratory, Division of Genomic Diagnostics, Children's Hospital of Philadelphia
Classification: Pathogenic. Last evaluated: 2015-10-27. Review status: no assertion criteria provided. Collection method: clinical testing. Allele origin: germline. Observed: 1 variant allele. Not counted in ClinVar's aggregate classification.
Comment: Clinical Testing

Clinical Genomics, Uppaluri K&H Personalized Medicine Clinic
Classification: Uncertain risk allele for Maturity-onset diabetes of the young. Last evaluated: 2024-05-27. Review status: flagged submission. Criteria: K And H Uppaluri Personalized Medicine Clinic Variant Classification And Assertion Criteria Updated V 2. Collection method: research. Allele origin: unknown. Not counted in ClinVar's aggregate classification.
Comment: This variant is found to be a potent moderate impact, with a CADD score of 22.1 and sufficient scientific evidence of gene-disease correlation. However, since this is not a high impact variant and no variant evidence, this variant is reclassified as Uncertain risk allele.
ClinVar note: Reason: Outlier claim with insufficient supporting evidence

Clinical Genomics, Uppaluri K&H Personalized Medicine Clinic
Classification: Uncertain risk allele for Hyperinsulinemic hypoglycemia, familial, 1. Last evaluated: 2024-05-27. Review status: flagged submission. Criteria: K And H Uppaluri Personalized Medicine Clinic Variant Classification And Assertion Criteria Updated V 2. Collection method: research. Allele origin: unknown. Not counted in ClinVar's aggregate classification.
Comment: This variant is found to be a potent moderate impact, with a CADD score of 22.1 and sufficient scientific evidence to support gene-disease correlation. This is found more frequently in congenital Hyperinsulinism cases as per recent evidence as well. However, since this is not a high impact variant and has limited evidence, this variant is reclassified as Uncertain risk allele only.
ClinVar note: Reason: Outlier claim with insufficient supporting evidence

Literature cited by the submitters: PubMed 36239000 (cited by 4 submitters); PubMed 32027066 (cited by Dasa); PubMed 21968111 (cited by 3 submitters); PubMed 20685672 (cited by Dasa and Women's Health and Genetics/Laboratory Corporation of America, LabCorp); PubMed 14764815 (cited by 3 submitters); PubMed 17466004 (cited by 6 submitters); PubMed 40475614 (cited by Dasa); PubMed 16186397 (cited by 5 submitters); PubMed 23275527 (cited by 5 submitters); PubMed 17384337 (cited by 3 submitters); PubMed 17378627 (cited by 4 submitters); PubMed 40302972 (cited by Natera, Inc.); PubMed 31216263 (cited by Clinical Genomics, Uppaluri K&H Personalized Medicine Clinic); PubMed 38095268 (cited by Clinical Genomics, Uppaluri K&H Personalized Medicine Clinic); PubMed 38513803 (cited by Clinical Genomics, Uppaluri K&H Personalized Medicine Clinic).

NM_000352.6(ABCC8):c.683G>A (p.Gly228Asp)

Gene: ABCC8 (ATP binding cassette subfamily C member 8; minus strand). Cytogenetic location: 11p15.1.
Variant type: single nucleotide variant.
Coding change: c.683G>A on transcript NM_000352.6 (MANE Select); coding-DNA position 683, G replaced by A.
Protein change: p.Gly228Asp; replaces glycine 228 with aspartic acid.
Molecular consequence: missense variant. On other transcripts: non-coding transcript variant (1).
Genome position (GRCh38, 1-based): chr11:17,461,722, C>T on the plus strand (G>A on the coding strand, the complement: ABCC8 is on the minus strand). VCF-style: chr11-17461722-C-T. GRCh37 (hg19) VCF-style: chr11-17483269-C-T.
Other names: c.683G>A (NM_000352.4); c.683G>A, p.Gly228Asp (NM_001287174.3, NM_001351295.2, NM_001351296.2 and 1 more transcripts); short protein forms G228D.
Identifiers: ClinVar variation 217846 (VCV000217846.21), dbSNP rs863225280, ClinGen allele CA279580.
Genomic context (GRCh38, chr11:17,461,722, plus strand): 5'-CGCAAGTCGATGGGCTTCTTGTGGGCAGTCTTGATGAAGGCGTTCATCCACCAGTAGGTG[C>T]CTTTGGACAGCAGATTCACGAAGGGCTGCAGGAAGCGTACCCCCAGGTCTTGCAGGTCCT-3'
Protein context (NP_000343.2, residues 218-238): LQPFVNLLSK[Gly228Asp]TYWWMNAFIK